The following is an entry in ClinVar:

NM_004667.6(HERC2):c.11737G>A (p.Glu3913Lys)

Gene: HERC2 (HECT and RLD domain containing E3 ubiquitin protein ligase 2; minus strand). Cytogenetic location: 15q13.1.
Variant type: single nucleotide variant.
Coding change: c.11737G>A on transcript NM_004667.6 (MANE Select); coding-DNA position 11737, G replaced by A.
Protein change: p.Glu3913Lys; replaces glutamic acid 3913 with lysine.
Molecular consequence: missense variant.
Genome position (GRCh38, 1-based): chr15:28,141,810, C>T on the plus strand (G>A on the coding strand, the complement: HERC2 is on the minus strand). VCF-style: chr15-28141810-C-T. GRCh37 (hg19) VCF-style: chr15-28386956-C-T.
Other names: short protein forms E3913K.
Identifiers: ClinVar variation 2228662 (VCV002228662.2), dbSNP rs1891254955, ClinGen allele CA391381982.

ClinVar aggregate classification (germline): Uncertain significance (1 of 4 stars; one submission).

Conditions:
Inborn genetic diseases. Identifiers: MedGen C0950123, MeSH D030342.

Allele frequency attached by ClinVar (database versions not stated): gnomAD exomes below 0.00001; TOPMed below 0.00001.
gnomAD v4.1: 5 of 1,614,142 alleles (0.00031%); highest among the groups gnomAD compares: South Asian, 0.0022%; no homozygotes.

Submission:

Ambry Genetics
Classification: Uncertain significance for Inborn genetic diseases. Last evaluated: 2021-01-07. Review status: criteria provided, single submitter. Criteria: Ambry Variant Classification Scheme 2023. Collection method: clinical testing. Allele origin: germline.
Comment: The c.11737G>A (p.E3913K) alteration is located in exon 77 (coding exon 76) of the HERC2 gene. This alteration results from a G to A substitution at nucleotide position 11737, causing the glutamic acid (E) at amino acid position 3913 to be replaced by a lysine (K). The p.E3913K alteration is predicted to be tolerated by in silico analysis. Based on insufficient or conflicting evidence, the clinical significance of this alteration remains unclear.